The following is an entry in ClinVar:

ClinVar aggregate classification (germline): Uncertain significance (1 of 4 stars; one submission).

Conditions:
Lipoic acid synthetase deficiency. Also called: HYPERGLYCINEMIA, LACTIC ACIDOSIS, AND SEIZURES. Identifiers: Orphanet 401859, MedGen C3280887, MONDO:0013762, OMIM 614462.

Submission:

Labcorp Genetics (formerly Invitae), Labcorp
Classification: Uncertain significance for Lipoic acid synthetase deficiency. Last evaluated: 2021-12-02. Review status: criteria provided, single submitter. Criteria: Invitae Variant Classification Sherloc (09022015). Collection method: clinical testing. Allele origin: germline.
Comment: In summary, the available evidence is currently insufficient to determine the role of this variant in disease. Therefore, it has been classified as a Variant of Uncertain Significance. Variants that disrupt the consensus splice site are a relatively common cause of aberrant splicing (PMID: 17576681, 9536098). Algorithms developed to predict the effect of sequence changes on RNA splicing suggest that this variant may disrupt the consensus splice site. This variant has not been reported in the literature in individuals affected with LIAS-related conditions. This variant is not present in population databases (gnomAD no frequency). This sequence change falls in intron 8 of the LIAS gene. It does not directly change the encoded amino acid sequence of the LIAS protein. It affects a nucleotide within the consensus splice site.

Literature cited by the submitters: PubMed 17576681; PubMed 9536098.

NM_006859.4(LIAS):c.884-3C>A

Gene: LIAS (lipoic acid synthetase; plus strand). Cytogenetic location: 4p14.
Variant type: single nucleotide variant.
Coding change: c.884-3C>A on transcript NM_006859.4 (MANE Select); 3 bases into the intron before coding-DNA position 884, C replaced by A.
Molecular consequence: intron variant.
Genome position (GRCh38, 1-based): chr4:39,471,233, C>A. VCF-style: chr4-39471233-C-A. GRCh37 (hg19) VCF-style: chr4-39472853-C-A.
Other names: c.884-3C>A (NM_194451.3); c.755-3C>A (NM_001278590.2); c.575-3C>A (NM_001363700.2).
Identifiers: ClinVar variation 1465884 (VCV001465884.6), dbSNP rs1207306697, ClinGen allele CA2573137711.